The following is an entry in ClinVar:

NM_001281740.3(FHOD3):c.3549G>A (p.Glu1183=)

Gene: FHOD3 (formin homology 2 domain containing 3; plus strand). Cytogenetic location: 18q12.2.
Variant type: single nucleotide variant.
Coding change: c.3549G>A on transcript NM_001281740.3 (MANE Select); coding-DNA position 3549, G replaced by A.
Protein change: p.Glu1183=; no amino-acid change (glutamic acid 1183 retained).
Molecular consequence: synonymous variant.
Genome position (GRCh38, 1-based): chr18:36,730,777, G>A. VCF-style: chr18-36730777-G-A. GRCh37 (hg19) VCF-style: chr18-34310740-G-A.
Other names: c.2973G>A, p.Glu991= (NM_001281739.3); c.3024G>A, p.Glu1008= (NM_025135.5).
Identifiers: ClinVar variation 2571011 (VCV002571011.27), dbSNP rs1214569095, ClinGen allele CA503638968.

ClinVar aggregate classification (germline): Likely benign (1 of 4 stars; one submission).

Allele frequency attached by ClinVar (database versions not stated): gnomAD exomes below 0.00001.
gnomAD v4.1: 6 of 1,614,090 alleles (0.00037%); highest among the groups gnomAD compares: African/African-American, 0.0013%; no homozygotes.

Submission:

CeGaT Center for Human Genetics Tuebingen
Classification: Likely benign. Last evaluated: 2023-05-01. Review status: criteria provided, single submitter. Criteria: CeGaT Center For Human Genetics Tuebingen Variant Classification Criteria Version 2. Collection method: clinical testing. Allele origin: germline. Affected: yes. Observed: 1 variant allele.
Comment: FHOD3: BP4, BP7